The following is an entry in ClinVar:

ClinVar aggregate classification (germline): Uncertain significance. Review status: criteria provided, multiple submitters, no conflicts (2 of 4 stars). 2 submissions from 2 submitters: Uncertain significance (2). Last evaluated 2021-12-02.

Conditions:
Epidermolysis bullosa simplex 5B, with muscular dystrophy (EBS5B). Also called: EPIDERMOLYSIS BULLOSA SIMPLEX AND LIMB-GIRDLE MUSCULAR DYSTROPHY; Epidermolysis bullosa simplex with muscular dystrophy. Identifiers: Orphanet 257, MedGen C2931072, MONDO:0009181, OMIM 226670.
Epidermolysis bullosa simplex, Ogna type (EBS5A). Also called: Pidermolysis bullosa simplex 5A, Ogna type; EPIDERMOLYSIS BULLOSA SIMPLEX 5A, OGNA TYPE. Identifiers: Orphanet 79401, MedGen C0432317, MONDO:0007555, OMIM 131950.
Autosomal recessive limb-girdle muscular dystrophy type 2Q (LGMDR17). Also called: MUSCULAR DYSTROPHY, LIMB-GIRDLE, AUTOSOMAL RECESSIVE 17. Identifiers: Orphanet 254361, MedGen C3150989, MONDO:0013390, OMIM 613723.
Epidermolysis bullosa simplex 5C, with pyloric atresia (EBS5C). Also called: Epidermolysis bullosa simplex with pyloric atresia; PLEC1-Related Epidermolysis Bullosa with Pyloric Atresia; PLEC-Related Epidermolysis Bullosa with Pyloric Atresia. Identifiers: Orphanet 158684, MedGen C2677349, MONDO:0012807, OMIM 612138.
Epidermolysis bullosa simplex with nail dystrophy (EBS5D). Identifiers: MedGen C4225309, MONDO:0014661, OMIM 616487.

Submissions (2):

Labcorp Genetics (formerly Invitae), Labcorp
Classification: Uncertain significance for Autosomal recessive limb-girdle muscular dystrophy type 2Q; Epidermolysis bullosa simplex, Ogna type; Epidermolysis bullosa simplex with nail dystrophy; Epidermolysis bullosa simplex 5C, with pyloric atresia; Epidermolysis bullosa simplex 5B, with muscular dystrophy. Last evaluated: 2021-12-02. Review status: criteria provided, single submitter. Criteria: Invitae Variant Classification Sherloc (09022015). Collection method: clinical testing. Allele origin: germline.
Comment: In summary, the available evidence is currently insufficient to determine the role of this variant in disease. Therefore, it has been classified as a Variant of Uncertain Significance. This sequence change replaces glycine, which is neutral and non-polar, with aspartic acid, which is acidic and polar, at codon 3797 of the PLEC protein (p.Gly3797Asp). This variant is not present in population databases (gnomAD no frequency). This variant has not been reported in the literature in individuals affected with PLEC-related conditions. ClinVar contains an entry for this variant (Variation ID: 501797). Algorithms developed to predict the effect of missense changes on protein structure and function (SIFT, PolyPhen-2, Align-GVGD) all suggest that this variant is likely to be disruptive.

Eurofins Ntd Llc (ga)
Classification: Uncertain significance. Last evaluated: 2017-05-02. Review status: criteria provided, single submitter. Criteria: EGL Classification Definitions 2015. Collection method: clinical testing. Allele origin: germline. Observed: 1 variant allele, 1 heterozygote.

NM_201384.3(PLEC):c.11309G>A (p.Gly3770Asp)

Gene: PLEC (plectin; minus strand). Cytogenetic location: 8q24.3.
Variant type: single nucleotide variant.
Coding change: c.11309G>A on transcript NM_201384.3 (MANE Select); coding-DNA position 11309, G replaced by A.
Protein change: p.Gly3770Asp; replaces glycine 3770 with aspartic acid.
Molecular consequence: missense variant.
Genome position (GRCh38, 1-based): chr8:143,918,512, C>T on the plus strand (G>A on the coding strand, the complement: PLEC is on the minus strand). VCF-style: chr8-143918512-C-T. GRCh37 (hg19) VCF-style: chr8-144992680-C-T.
Other names: c.11390G>A, p.Gly3797Asp (NM_000445.5); c.11267G>A, p.Gly3756Asp (NM_201378.4); c.11243G>A, p.Gly3748Asp (NM_201379.3); c.11720G>A, p.Gly3907Asp (NM_201380.4); c.11213G>A, p.Gly3738Asp (NM_201381.3); c.11309G>A, p.Gly3770Asp (NM_201382.4); c.11321G>A, p.Gly3774Asp (NM_201383.3); short protein forms G3738D, G3748D, G3756D, G3770D, G3774D, G3797D, G3907D.
Identifiers: ClinVar variation 501797 (VCV000501797.10), dbSNP rs1554675497, ClinGen allele CA372491474.